The following is an entry in ClinVar:

NM_003480.4(MFAP5):c.354C>T (p.Ile118=)

Gene: MFAP5 (microfibril associated protein 5; minus strand). Cytogenetic location: 12p13.31.
Variant type: single nucleotide variant.
Coding change: c.354C>T on transcript NM_003480.4 (MANE Select); coding-DNA position 354, C replaced by T.
Protein change: p.Ile118=; no amino-acid change (isoleucine 118 retained).
Molecular consequence: synonymous variant. On other transcripts: non-coding transcript variant (2), intron variant (1).
Genome position (GRCh38, 1-based): chr12:8,649,556, G>A on the plus strand (C>T on the coding strand, the complement: MFAP5 is on the minus strand). VCF-style: chr12-8649556-G-A. GRCh37 (hg19) VCF-style: chr12-8802152-G-A.
Other names: c.324C>T, p.Ile108= (NM_001297709.2); c.288C>T, p.Ile96= (NM_001297710.2); c.279C>T, p.Ile93= (NM_001297711.2); c.218-1353C>T (NM_001297712.2).
Identifiers: ClinVar variation 758213 (VCV000758213.12), dbSNP rs781404692, ClinGen allele CA6434603.

ClinVar aggregate classification (germline): Likely benign. Review status: criteria provided, multiple submitters, no conflicts (2 of 4 stars). 3 submissions from 3 submitters: Likely benign (2). 1 of the submissions does not count toward it. Last evaluated 2025-01-30.

Conditions:
MFAP5-related disorder. Also called: MFAP5-related condition.
Cardiovascular phenotype. Identifiers: MedGen CN230736.

Allele frequency attached by ClinVar (database versions not stated): TOPMed 0.00002; gnomAD 0.00003.
gnomAD v4.1: 16 of 1,613,854 alleles (0.00099%); highest among the groups gnomAD compares: South Asian, 0.0044%; no homozygotes.

Submissions (3):

Labcorp Genetics (formerly Invitae), Labcorp
Classification: Likely benign. Last evaluated: 2025-01-30. Review status: criteria provided, single submitter. Criteria: Invitae Variant Classification Sherloc (09022015). Collection method: clinical testing. Allele origin: germline.

Ambry Genetics
Classification: Likely benign for Cardiovascular phenotype. Last evaluated: 2020-11-19. Review status: criteria provided, single submitter. Criteria: Ambry Variant Classification Scheme 2023. Collection method: clinical testing. Allele origin: germline.

PreventionGenetics, part of Exact Sciences
Classification: Likely benign for MFAP5-related condition. Last evaluated: 2021-02-03. Review status: no assertion criteria provided. Collection method: clinical testing. Allele origin: germline. Not counted in ClinVar's aggregate classification.
Comment: This variant is classified as likely benign based on ACMG/AMP sequence variant interpretation guidelines (Richards et al. 2015 PMID: 25741868, with internal and published modifications).